The following continues an entry in ClinVar:

NM_000059.4(BRCA2):c.1798T>C (p.Tyr600His)

Gene: BRCA2. ClinVar aggregate classification (germline): Benign. Benign (1).

Submissions 19 to 23 of 23:

ITMI
No classification provided. Condition: AllHighlyPenetrant. Last evaluated: 2013-09-19. Review status: no classification provided. Collection method: reference population. Allele origin: germline. Not counted in ClinVar's aggregate classification.
Comment: Please see associated publication for description of ethnicities

Breast Cancer Information Core (BIC) (BRCA2)
Classification: Uncertain significance for Breast-ovarian cancer, familial 2. Last evaluated: 2001-10-29. Review status: no assertion criteria provided. Collection method: clinical testing. Allele origin: germline. Affected: yes. Observed: 1 variant allele. Not counted in ClinVar's aggregate classification.

Clinical Genetics Laboratory, Department of Pathology, Netherlands Cancer Institute
Classification: Likely benign. Review status: no assertion criteria provided. Collection method: clinical testing. Allele origin: germline. Affected: yes. Study: VKGL Data-share Consensus. Not counted in ClinVar's aggregate classification.

Department of Pathology and Laboratory Medicine, Sinai Health System
Classification: Likely benign for Malignant tumor of breast. Review status: no assertion criteria provided. Collection method: clinical testing. Allele origin: unknown. Affected: yes. Study: The Canadian Open Genetics Repository (COGR). Not counted in ClinVar's aggregate classification.
Comment: The BRCA2 p.Tyr600His variant was not identified in the literature. This variant was identified in dbSNP (ID: rs75419644) â€šÃ„ÃºWith other alleleâ€šÃ„Ã¹, with a minor allele frequency of 0.001 (5 of 5000 chromosomes in1000 Genomes Project). In NHLBI Exome Sequencing Project (Exome Variant Server) the variant was identified in in 24 of 4400 African American alleles (frequency: 0.005) and not found in European American alleles. The variant was identified in Exome Aggregation Consortium database (March 14, 2016) in 58 of 118492 chromosomes (frequency: 0.0005) from a population of African (56/9636 alleles), Latino (2/11458 alleles) and not found in European (Non-Finnish), East Asian, South Asian, European (Finnish) and Other individuals, increasing the likelihood that this may be a low frequency benign variant in certain populations of origin. The variant was also identified in ClinVar database with conflicting interpretations: as benign by Invitae, Emory Genetics Laboratory and Ambry Genetics; as likely benign by GeneDX; as uncertain significance by Molecular Genetics Diagnostic Laboratory, Childrenâ€šÃ„Ã´s Hospital of Eastern Ontario and BIC. ITMI did not provide a classification. The variant was identified in the BIC database 1x with uncertain clinical importance and in UMD 10x as an unknown variant. In UMD the variant was identified with two co-occurring unknown significance BRCA2 variants (c.1909+9delGT and c.7504C>T, p.Arg2502Cys). The p.Tyr600 residue is not conserved in mammals and the variant amino acid Histidine is present in rats, increasing the likelihood that this variant does not have clinical significance. All five computational analyses (SIFT, AlignGVGD, BLOSUM, PolyPhen-2, MutationTaster) do not suggest a high likelihood of impact to the protein. In summary, based on the above information, the clinical significance of this variant cannot be determined with certainty at this time although we would lean towards a more benign role for this variant. This variant is classified as likely benign.

Joint Genome Diagnostic Labs from Nijmegen and Maastricht, Radboudumc and MUMC+
Classification: Likely benign. Review status: no assertion criteria provided. Collection method: clinical testing. Allele origin: germline. Affected: yes. Study: VKGL Data-share Consensus. Not counted in ClinVar's aggregate classification.

Literature cited by the submitters: PubMed 22034289 (cited by Women's Health and Genetics/Laboratory Corporation of America, LabCorp); PubMed 25682074 (cited by Women's Health and Genetics/Laboratory Corporation of America, LabCorp); PubMed 22874498 (cited by Women's Health and Genetics/Laboratory Corporation of America, LabCorp); PubMed 23555315 (cited by Women's Health and Genetics/Laboratory Corporation of America, LabCorp); PubMed 24728327 (cited by ITMI).